The following is an entry in ClinVar:

NM_015425.6(POLR1A):c.793C>G (p.Leu265Val)

Gene: POLR1A (RNA polymerase I subunit A; minus strand). Cytogenetic location: 2p11.2.
Variant type: single nucleotide variant.
Coding change: c.793C>G on transcript NM_015425.6 (MANE Select); coding-DNA position 793, C replaced by G.
Protein change: p.Leu265Val; replaces leucine 265 with valine.
Molecular consequence: missense variant.
Genome position (GRCh38, 1-based): chr2:86,083,106, G>C on the plus strand (C>G on the coding strand, the complement: POLR1A is on the minus strand). VCF-style: chr2-86083106-G-C. GRCh37 (hg19) VCF-style: chr2-86310229-G-C.
Other names: c.793C>G (NM_015425.3); short protein forms L265V.
Identifiers: ClinVar variation 1438830 (VCV001438830.8), dbSNP rs201437136, ClinGen allele CA1746531.

ClinVar aggregate classification (germline): Uncertain significance. Review status: criteria provided, multiple submitters, no conflicts (2 of 4 stars). 2 submissions from 2 submitters: Uncertain significance (2). Last evaluated 2025-09-10.

Conditions:
Inborn genetic diseases. Identifiers: MedGen C0950123, MeSH D030342.

Allele frequency attached by ClinVar (database versions not stated): ExAC 0.00017; gnomAD exomes 0.00019 and 0.00033; gnomAD 0.00024 and 0.00025; TOPMed 0.00026; ESP Exome Variant Server 0.00033.
gnomAD v4.1: 526 of 1,613,710 alleles (0.033%); highest among the groups gnomAD compares: Non-Finnish European, 0.042%; no homozygotes.

Submissions (2):

Ambry Genetics
Classification: Uncertain significance for Inborn genetic diseases. Last evaluated: 2025-09-10. Review status: criteria provided, single submitter. Criteria: Ambry Variant Classification Scheme 2023. Collection method: clinical testing. Allele origin: germline.

Labcorp Genetics (formerly Invitae), Labcorp
Classification: Uncertain significance. Last evaluated: 2025-09-04. Review status: criteria provided, single submitter. Criteria: Invitae Variant Classification Sherloc (09022015). Collection method: clinical testing. Allele origin: germline.
Comment: This sequence change replaces leucine, which is neutral and non-polar, with valine, which is neutral and non-polar, at codon 265 of the POLR1A protein (p.Leu265Val). This variant is present in population databases (rs201437136, gnomAD 0.03%). This variant has not been reported in the literature in individuals affected with POLR1A-related conditions. ClinVar contains an entry for this variant (Variation ID: 1438830). Invitae Evidence Modeling of protein sequence and biophysical properties (such as structural, functional, and spatial information, amino acid conservation, physicochemical variation, residue mobility, and thermodynamic stability) indicates that this missense variant is not expected to disrupt POLR1A protein function with a negative predictive value of 80%. In summary, the available evidence is currently insufficient to determine the role of this variant in disease. Therefore, it has been classified as a Variant of Uncertain Significance.